The following is an entry in ClinVar:

ClinVar aggregate classification (germline): Uncertain significance (1 of 4 stars; one submission).

Conditions:
CTR9-related neurodevelopmental disorder. Identifiers: MedGen CN378764, MONDO:1040006.

Submission:

Dasa
Classification: Uncertain significance for CTR9-related neurodevelopmental disorder. Last evaluated: 2026-01-30. Review status: criteria provided, single submitter. Criteria: DASA Assertion Criteria. Collection method: clinical testing. Allele origin: germline.
Comment: NM_014633.5(CTR9):c.288G>C (p.Gln96His) is a missense variant that results in the substitution of glutamine with histidine. This variant is absent from population databases. The currently available literature and clinical evidence are not sufficient to establish a definitive association between this variant and the reported condition. Therefore, this variant is classified as a variant of uncertain significance.

NM_014633.5(CTR9):c.288G>C (p.Gln96His)

Gene: CTR9 (CTR9 component of Paf1/RNA polymerase II complex; plus strand). Cytogenetic location: 11p15.4.
Variant type: single nucleotide variant.
Coding change: c.288G>C on transcript NM_014633.5 (MANE Select); coding-DNA position 288, G replaced by C.
Protein change: p.Gln96His; replaces glutamine 96 with histidine.
Molecular consequence: missense variant.
Genome position (GRCh38, 1-based): chr11:10,755,101, G>C. VCF-style: chr11-10755101-G-C. GRCh37 (hg19) VCF-style: chr11-10776648-G-C.
Other names: c.288G>C, p.Gln96His (NM_001346279.2); short protein forms Q96H.
Identifiers: ClinVar variation 4882627 (VCV004882627.2).